The following is an entry in ClinVar:

ClinVar aggregate classification (germline): Conflicting classifications of pathogenicity. Review status: criteria provided, conflicting classifications (1 of 4 stars). 5 submissions from 5 submitters: Uncertain significance (4); Likely benign (1). Last evaluated 2026-02-24.

Conditions:
Hereditary cancer-predisposing syndrome. Also called: Hereditary neoplastic syndrome; Tumor predisposition; Neoplastic Syndromes, Hereditary; Hereditary Cancer Syndrome. Identifiers: Orphanet 140162, MedGen C0027672, MeSH D009386, MONDO:0015356.
Hereditary breast ovarian cancer syndrome. Also called: Hereditary breast and/or ovarian cancer syndrome; Hereditary breast and ovarian cancer; Breast and ovarian cancer; Hereditary breast and ovarian cancer syndrome (HBOC); BRCA1- and BRCA2-Associated Hereditary Breast and Ovarian Cancer; Hereditary breast and ovarian cancer syndrome. Identifiers: Orphanet 145, MedGen C0677776, MeSH D061325, MONDO:0003582. Disease mechanism: loss of function.

Submissions (5):

Ambry Genetics
Classification: Uncertain significance for Hereditary cancer-predisposing syndrome. Last evaluated: 2026-02-24. Review status: criteria provided, single submitter. Criteria: Ambry Variant Classification Scheme 2023. Collection method: clinical testing. Allele origin: germline.
Comment: The p.G1007S variant (also known as c.3019G>A), located in coding exon 10 of the BRCA2 gene, results from a G to A substitution at nucleotide position 3019. The glycine at codon 1007 is replaced by serine, an amino acid with similar properties. This amino acid position is not well conserved in available vertebrate species. In addition, this alteration is predicted to be tolerated by in silico analysis. Based on the available evidence, the clinical significance of this variant remains unclear.

Labcorp Genetics (formerly Invitae), Labcorp
Classification: Uncertain significance for Hereditary breast ovarian cancer syndrome. Last evaluated: 2025-01-19. Review status: criteria provided, single submitter. Criteria: Invitae Variant Classification Sherloc (09022015). Collection method: clinical testing. Allele origin: germline.
Comment: This sequence change replaces glycine, which is neutral and non-polar, with serine, which is neutral and polar, at codon 1007 of the BRCA2 protein (p.Gly1007Ser). This variant is not present in population databases (gnomAD no frequency). This variant has not been reported in the literature in individuals affected with BRCA2-related conditions. ClinVar contains an entry for this variant (Variation ID: 1332623). Invitae Evidence Modeling of protein sequence and biophysical properties (such as structural, functional, and spatial information, amino acid conservation, physicochemical variation, residue mobility, and thermodynamic stability) indicates that this missense variant is not expected to disrupt BRCA2 protein function with a negative predictive value of 95%. In summary, the available evidence is currently insufficient to determine the role of this variant in disease. Therefore, it has been classified as a Variant of Uncertain Significance.

University of Washington Department of Laboratory Medicine, University of Washington
Classification: Likely benign for Hereditary cancer-predisposing syndrome. Last evaluated: 2023-03-23. Review status: criteria provided, single submitter. Criteria: Dines et al. (Genet Med. 2020). Collection method: curation. Allele origin: germline.
Comment: Missense variant in a coldspot region where missense variants are very unlikely to be pathogenic (PMID:31911673).

BRCA2 exon 11 coldspot. Reclassification based on statistical prior probability.

Quest Diagnostics Nichols Institute San Juan Capistrano
Classification: Uncertain significance. Last evaluated: 2023-01-03. Review status: criteria provided, single submitter. Criteria: Quest Diagnostics criteria. Collection method: clinical testing. Allele origin: unknown.
Comment: The variant has not been reported in the published literature. It also has not been reported in large, multi-ethnic general populations. Analysis of this variant using bioinformatics tools for the prediction of the effect of amino acid changes on protein structure and function yielded predictions that this variant is benign. Based on the available information, we are unable to determine the clinical significance of this variant.

Color Diagnostics, LLC DBA Color Health
Classification: Uncertain significance for Hereditary cancer-predisposing syndrome. Last evaluated: 2021-02-26. Review status: criteria provided, single submitter. Criteria: ACMG Guidelines, 2015. Collection method: clinical testing. Allele origin: germline.
Comment: This missense variant replaces glycine with serine at codon 1007 of the BRCA2 protein. Computational prediction suggests that this variant may not impact protein structure and function (internally defined REVEL score threshold <= 0.5, PMID: 27666373). To our knowledge, functional studies have not been reported for this variant. This variant has not been reported in individuals affected with hereditary cancer in the literature. This variant has not been identified in the general population by the Genome Aggregation Database (gnomAD). The available evidence is insufficient to determine the role of this variant in disease conclusively. Therefore, this variant is classified as a Variant of Uncertain Significance.

NM_000059.4(BRCA2):c.3019G>A (p.Gly1007Ser)

Gene: BRCA2 (BRCA2 DNA repair associated; plus strand). Cytogenetic location: 13q13.1.
Variant type: single nucleotide variant.
Coding change: c.3019G>A on transcript NM_000059.4 (MANE Select); coding-DNA position 3019, G replaced by A.
Protein change: p.Gly1007Ser; replaces glycine 1007 with serine.
Molecular consequence: missense variant.
Genome position (GRCh38, 1-based): chr13:32,337,374, G>A. VCF-style: chr13-32337374-G-A. GRCh37 (hg19) VCF-style: chr13-32911511-G-A.
Other names: short protein forms G1007S.
Identifiers: ClinVar variation 1332623 (VCV001332623.8), dbSNP rs2137492293, ClinGen allele CA387774823.